The following is an entry in ClinVar:

NC_000012.11:g.(?_122958044)_(122958842_?)dup

Gene: ZCCHC8 (zinc finger CCHC-type containing 8; minus strand). Cytogenetic location: 12q24.31.
Variant type: Duplication.
Identifiers: ClinVar variation 2426325 (VCV002426325.4).

ClinVar aggregate classification (germline): Uncertain significance (1 of 4 stars; one submission).

Submission:

Labcorp Genetics (formerly Invitae), Labcorp
Classification: Uncertain significance. Last evaluated: 2022-10-01. Review status: criteria provided, single submitter. Criteria: Invitae Variant Classification Sherloc (09022015). Collection method: clinical testing. Allele origin: germline.
Comment: In summary, the available evidence is currently insufficient to determine the role of this variant in disease. Therefore, it has been classified as a Variant of Uncertain Significance. Experimental studies and prediction algorithms are not available or were not evaluated, and the functional significance of this variant is currently unknown. This variant has not been reported in the literature in individuals affected with ZCCHC8-related conditions. This variant results in a copy number gain of the genomic region encompassing exon(s) 14 of the ZCCHC8 gene. This region includes the termination codon of the gene. This copy number gain extends beyond the assayed region for this gene and therefore may encompass additional genes. As the precise location of this event is unknown, it may be in tandem or it may be located elsewhere in the genome.